The following is an entry in ClinVar:

ClinVar aggregate classification (germline): Pathogenic (1 of 4 stars; one submission).

Conditions:
Cataract 5 multiple types (CTRCT5). Also called: CATARACT 5, LAMELLAR; CATARACT, MARNER TYPE; Lamellar cataract. Identifiers: Orphanet 91492, MedGen C0266537, MONDO:0007290, OMIM 116800, HP:0007971.

Submission:

Victorian Clinical Genetics Services, Murdoch Childrens Research Institute
Classification: Pathogenic for Cataract 5 multiple types. Last evaluated: 2023-07-16. Review status: criteria provided, single submitter. Criteria: ACMG Guidelines, 2015. Collection method: clinical testing. Allele origin: germline. Inheritance: Autosomal recessive inheritance. Affected: yes.
Comment: Based on the classification scheme VCGS_Germline_v1.3.4, this variant is classified as Pathogenic. Following criteria are met: 0102 - Loss of function is a known mechanism of disease in this gene and is associated with cataract 5 multiple types (MONDO:0007290). (I) 0108 - This gene is associated with both recessive and dominant disease. Variants associated with autosomal dominant disease are located in the DNA-binding domain, while variants associated with autosomal recessive disease are truncating variants throughout the protein, or missense variants located within the hydrophobic repeat (HR-A/B) domain and downstream of the hydrophobic repeat (DHR) domain (PMIDs: 31815953, 24045990). (I) 0205 - Variant is predicted to result in a truncated protein with less than 1/3 of the protein sequence affected. Premature termination codons in this gene are known to escape nonsense-mediated decay (PMID: 24045990). (SP) 0252 - This variant is homozygous. (I) 0304 - Variant is present in gnomAD (v2) <0.01 (1 heterozygote, 0 homozygotes). (SP) 0601 - Variant partially truncates the well-established functional DHR domain, a region with negative regulatory activity and containing the second activation domain (PMID: 24045990). (I) 0703 - Other downstream truncating variants comparable to the one identified in this case have moderate previous evidence for pathogenicity. A splice variant, c.1327+4A>G, shown to produce an out of frame protein, p.(Met419Glyfs*29), has been observed as homozygous in one large consanguineous family with cataracts (PMID: 15277496). p.(Leu436*) has been observed as compound heterozygous with a splice variant in an individual with congenital cataracts (PMID: 33923544). (SP) 0803 - This variant has limited previous evidence of pathogenicity in an unrelated individual. This variant has been observed as homozygous in several members of a large consanguineous family with cataracts (PMID: 19014451). (SP) 0901 - This variant has strong evidence for segregation with disease. This variant segregated with autosomal recessive disease in one consanguineous family with cataracts. The variant was observed as homozygous in all eight affected family members, and was either absent or heterozygous in all unaffected family members that were tested (PMID: 19014451). (SP) 1002 - This variant has moderate functional evidence supporting abnormal protein function. Transfection and western blot studies have shown that this variant creates a stable protein of the expected truncated size, and a luciferase assay has shown this variant produces a protein with significantly decreased transactiviation potential compared to wild type protein (PMID: 24045990). (SP) 1208 - Inheritance information for this variant is not currently available in this individual. (I) Legend: (SP) - Supporting pathogenic, (I) - Information, (SB) - Supporting benign

Literature cited by the submitters: PubMed 15277496; PubMed 19014451; PubMed 24045990; PubMed 31815953; PubMed 33923544.

NM_001374675.1(HSF4):c.1213C>T (p.Arg405Ter)

Gene: HSF4 (heat shock transcription factor 4; plus strand). Cytogenetic location: 16q22.1.
Variant type: single nucleotide variant.
Coding change: c.1213C>T on transcript NM_001374675.1 (MANE Select); coding-DNA position 1213, C replaced by T.
Protein change: p.Arg405Ter; replaces arginine 405 with a stop codon.
Molecular consequence: nonsense.
Genome position (GRCh38, 1-based): chr16:67,169,060, C>T. VCF-style: chr16-67169060-C-T. GRCh37 (hg19) VCF-style: chr16-67202963-C-T.
Other names: c.1213C>T, p.Arg405Ter (NM_001040667.3); c.1123C>T, p.Arg375Ter (NM_001374674.1, NM_001538.4); short protein forms R375*, R405*.
Identifiers: ClinVar variation 3376746 (VCV003376746.1).